The following is an entry in ClinVar:

NM_198947.4(FAM111B):c.1514G>A (p.Trp505Ter)

Gene: FAM111B (FAM111 trypsin like peptidase B; plus strand). Cytogenetic location: 11q12.1.
Variant type: single nucleotide variant.
Coding change: c.1514G>A on transcript NM_198947.4 (MANE Select); coding-DNA position 1514, G replaced by A.
Protein change: p.Trp505Ter; replaces tryptophan 505 with a stop codon.
Molecular consequence: nonsense.
Genome position (GRCh38, 1-based): chr11:59,125,611, G>A. VCF-style: chr11-59125611-G-A. GRCh37 (hg19) VCF-style: chr11-58893084-G-A.
Other names: c.1424G>A, p.Trp475Ter (NM_001142703.2, NM_001142704.2); short protein forms W475*, W505*.
Identifiers: ClinVar variation 3771591 (VCV003771591.13).
Genomic context (GRCh38, chr11:59,125,611, plus strand): 5'-TTTTCACCTGTCGACATGTTGTACATCTTATGGTGGGTAAAAACACACATCCAAGTTTGT[G>A]GCCAGATATAATTAGCAAATGTGCGAAGGTAACCTTCACTTATACAGAGTTCTGCCCTAC-3'

ClinVar aggregate classification (germline): Uncertain significance (1 of 4 stars; one submission).

Submission:

CeGaT Center for Human Genetics Tuebingen
Classification: Uncertain significance. Last evaluated: 2025-01-01. Review status: criteria provided, single submitter. Criteria: CeGaT Center For Human Genetics Tuebingen Variant Classification Criteria Version 2. Collection method: clinical testing. Allele origin: germline. Affected: yes. Observed: 1 variant allele.
Comment: FAM111B: PVS1:Strong